The following is an entry in ClinVar:

ClinVar aggregate classification (germline): Uncertain significance (1 of 4 stars; one submission).

Allele frequency attached by ClinVar (database versions not stated): gnomAD exomes below 0.00001.
gnomAD v4.1: 1 of 1,614,200 alleles (0.000062%); highest among the groups gnomAD compares: Non-Finnish European, 0.000085%; no homozygotes.

Submission:

Labcorp Genetics (formerly Invitae), Labcorp
Classification: Uncertain significance. Last evaluated: 2022-11-20. Review status: criteria provided, single submitter. Criteria: Invitae Variant Classification Sherloc (09022015). Collection method: clinical testing. Allele origin: germline.
Comment: In summary, the available evidence is currently insufficient to determine the role of this variant in disease. Therefore, it has been classified as a Variant of Uncertain Significance. Advanced modeling of protein sequence and biophysical properties (such as structural, functional, and spatial information, amino acid conservation, physicochemical variation, residue mobility, and thermodynamic stability) performed at Invitae indicates that this missense variant is not expected to disrupt FLNB protein function. This variant has not been reported in the literature in individuals affected with FLNB-related conditions. This variant is not present in population databases (gnomAD no frequency). This sequence change replaces cysteine, which is neutral and slightly polar, with arginine, which is basic and polar, at codon 1876 of the FLNB protein (p.Cys1876Arg).

NM_001457.4(FLNB):c.5626T>C (p.Cys1876Arg)

Gene: FLNB (filamin B; plus strand). Cytogenetic location: 3p14.3.
Variant type: single nucleotide variant.
Coding change: c.5626T>C on transcript NM_001457.4 (MANE Select); coding-DNA position 5626, T replaced by C.
Protein change: p.Cys1876Arg; replaces cysteine 1876 with arginine.
Molecular consequence: missense variant.
Genome position (GRCh38, 1-based): chr3:58,146,891, T>C. VCF-style: chr3-58146891-T-C. GRCh37 (hg19) VCF-style: chr3-58132618-T-C.
Other names: c.5719T>C, p.Cys1907Arg (NM_001164317.2); c.5593T>C, p.Cys1865Arg (NM_001164318.2); c.5554T>C, p.Cys1852Arg (NM_001164319.2); short protein forms C1852R, C1876R, C1865R, C1907R.
Identifiers: ClinVar variation 2882022 (VCV002882022.3), dbSNP rs2471200045, ClinGen allele CA353354995.
Genomic context (GRCh38, chr3:58,146,891, plus strand): 5'-TTGGCTATTGAGGGCCCCTCAAAAGCAGAAATCAGCTGCATTGACAATAAAGATGGGACA[T>C]GCACAGTGACCTACCTGCCGACTCTGCCAGGCGACTACAGCATTCTGGTCAAGTACAATG-3'
Protein context (NP_001448.2, residues 1866-1886): ISCIDNKDGT[Cys1876Arg]TVTYLPTLPG